The following is an entry in ClinVar:

ClinVar aggregate classification (germline): Uncertain significance (1 of 4 stars; one submission).

gnomAD v4.1: 1 of 1,602,184 alleles (0.000062%); highest among the groups gnomAD compares: Non-Finnish European, 0.000085%; no homozygotes.

Submission:

Labcorp Genetics (formerly Invitae), Labcorp
Classification: Uncertain significance. Last evaluated: 2024-11-13. Review status: criteria provided, single submitter. Criteria: Invitae Variant Classification Sherloc (09022015). Collection method: clinical testing. Allele origin: germline.
Comment: This sequence change replaces glutamine, which is neutral and polar, with arginine, which is basic and polar, at codon 709 of the ITPR1 protein (p.Gln709Arg). This variant is not present in population databases (gnomAD no frequency). This variant has not been reported in the literature in individuals affected with ITPR1-related conditions. Invitae Evidence Modeling of protein sequence and biophysical properties (such as structural, functional, and spatial information, amino acid conservation, physicochemical variation, residue mobility, and thermodynamic stability) indicates that this missense variant is not expected to disrupt ITPR1 protein function with a negative predictive value of 95%. In summary, the available evidence is currently insufficient to determine the role of this variant in disease. Therefore, it has been classified as a Variant of Uncertain Significance.

NM_001378452.1(ITPR1):c.2171A>G (p.Gln724Arg)

Gene: ITPR1 (inositol 1,4,5-trisphosphate receptor type 1; plus strand). Cytogenetic location: 3p26.1.
Variant type: single nucleotide variant.
Coding change: c.2171A>G on transcript NM_001378452.1 (MANE Select); coding-DNA position 2171, A replaced by G.
Protein change: p.Gln724Arg; replaces glutamine 724 with arginine.
Molecular consequence: missense variant.
Genome position (GRCh38, 1-based): chr3:4,670,893, A>G. VCF-style: chr3-4670893-A-G. GRCh37 (hg19) VCF-style: chr3-4712577-A-G.
Other names: c.2171A>G, p.Gln724Arg (NM_001099952.4); c.2126A>G, p.Gln709Arg (NM_001168272.2, NM_002222.7); short protein forms Q709R, Q724R.
Identifiers: ClinVar variation 3680410 (VCV003680410.2).